The following is an entry in ClinVar:

ClinVar aggregate classification (germline): Uncertain significance (1 of 4 stars; one submission).

Submission:

GeneDx
Classification: Uncertain significance. Last evaluated: 2021-04-08. Review status: criteria provided, single submitter. Criteria: GeneDx Variant Classification Process June 2021. Collection method: clinical testing. Allele origin: germline. Affected: yes.
Comment: Not observed in large population cohorts (Lek et al., 2016); In silico analysis supports that this missense variant has a deleterious effect on protein structure/function; Has not been previously published as pathogenic or benign to our knowledge

NM_006164.5(NFE2L2):c.929C>T (p.Ser310Phe)

Gene: NFE2L2 (NFE2 like bZIP transcription factor 2; minus strand). Cytogenetic location: 2q31.2.
Variant type: single nucleotide variant.
Coding change: c.929C>T on transcript NM_006164.5 (MANE Select); coding-DNA position 929, C replaced by T.
Protein change: p.Ser310Phe; replaces serine 310 with phenylalanine.
Molecular consequence: missense variant.
Genome position (GRCh38, 1-based): chr2:177,231,674, G>A on the plus strand (C>T on the coding strand, the complement: NFE2L2 is on the minus strand). VCF-style: chr2-177231674-G-A. GRCh37 (hg19) VCF-style: chr2-178096402-G-A.
Other names: c.881C>T, p.Ser294Phe (NM_001145412.3, NM_001313900.1, NM_001313901.1); c.860C>T, p.Ser287Phe (NM_001145413.3); c.839C>T, p.Ser280Phe (NM_001313902.2); c.710C>T, p.Ser237Phe (NM_001313903.2); c.629C>T, p.Ser210Phe (NM_001313904.1); short protein forms S210F, S237F, S280F, S287F, S294F, S310F.
Identifiers: ClinVar variation 1305034 (VCV001305034.3), dbSNP rs2105453401, ClinGen allele CA349373058.